The following is an entry in ClinVar:

ClinVar aggregate classification (germline): Likely benign (1 of 4 stars; one submission).

Submission:

Molecular Diagnostic Laboratory for Inherited Cardiovascular Disease, Montreal Heart Institute
Classification: Likely benign. Last evaluated: 2025-04-09. Review status: criteria provided, single submitter. Criteria: ACMG Guidelines, 2015. Collection method: clinical testing. Allele origin: germline. Affected: no.
Comment: BP1

NM_001267550.2(TTN):c.32741G>C (p.Arg10914Thr)

Gene: TTN (titin; minus strand). Cytogenetic location: 2q31.2.
Variant type: single nucleotide variant.
Coding change: c.32741G>C on transcript NM_001267550.2 (MANE Select); coding-DNA position 32741, G replaced by C.
Protein change: p.Arg10914Thr; replaces arginine 10914 with threonine.
Molecular consequence: missense variant. On other transcripts: intron variant (3).
Genome position (GRCh38, 1-based): chr2:178,684,064, C>G on the plus strand (G>C on the coding strand, the complement: TTN is on the minus strand). VCF-style: chr2-178684064-C-G. GRCh37 (hg19) VCF-style: chr2-179548791-C-G.
Other names: c.31790G>C, p.Arg10597Thr (NM_001256850.1); c.29009G>C, p.Arg9670Thr (NM_133378.4); c.13283-41747G>C (NM_003319.4); c.13859-41747G>C (NM_133437.4); c.13658-41747G>C (NM_133432.3); short protein forms R10597T, R10914T, R9670T.
Identifiers: ClinVar variation 3895092 (VCV003895092.1).